The following is an entry in ClinVar:

NM_014283.5(SUCO):c.2174A>T (p.His725Leu)

Gene: SUCO (SUN domain containing ossification factor; plus strand). Cytogenetic location: 1q24.3.
Variant type: single nucleotide variant.
Coding change: c.2174A>T on transcript NM_014283.5 (MANE Select); coding-DNA position 2174, A replaced by T.
Protein change: p.His725Leu; replaces histidine 725 with leucine.
Molecular consequence: missense variant. On other transcripts: intron variant (1).
Genome position (GRCh38, 1-based): chr1:172,589,275, A>T. VCF-style: chr1-172589275-A-T. GRCh37 (hg19) VCF-style: chr1-172558415-A-T.
Other names: c.485A>T, p.His162Leu (NM_001282751.2); c.2627A>T, p.His876Leu (NM_016227.4); c.1712+351A>T (NM_001282750.2); short protein forms H725L, H876L, H162L.
Identifiers: ClinVar variation 1404603 (VCV001404603.6), dbSNP rs1199514823, ClinGen allele CA343743225.

ClinVar aggregate classification (germline): Uncertain significance (1 of 4 stars; one submission).

Allele frequency attached by ClinVar (database versions not stated): gnomAD exomes 0.00001; TOPMed 0.00001.
gnomAD v4.1: 3 of 1,613,806 alleles (0.00019%); highest among the groups gnomAD compares: Admixed American, 0.005%; no homozygotes.

Submission:

Labcorp Genetics (formerly Invitae), Labcorp
Classification: Uncertain significance. Last evaluated: 2024-10-23. Review status: criteria provided, single submitter. Criteria: Invitae Variant Classification Sherloc (09022015). Collection method: clinical testing. Allele origin: germline.
Comment: This sequence change replaces histidine, which is basic and polar, with leucine, which is neutral and non-polar, at codon 725 of the SUCO protein (p.His725Leu). This variant is present in population databases (no rsID available, gnomAD 0.009%). This variant has not been reported in the literature in individuals affected with SUCO-related conditions. ClinVar contains an entry for this variant (Variation ID: 1404603). An algorithm developed to predict the effect of missense changes on protein structure and function outputs the following: PolyPhen-2: "Benign". The leucine amino acid residue is found in multiple mammalian species, which suggests that this missense change does not adversely affect protein function. In summary, the available evidence is currently insufficient to determine the role of this variant in disease. Therefore, it has been classified as a Variant of Uncertain Significance.